The following is an entry in ClinVar:

NM_053025.4(MYLK):c.1481G>C (p.Gly494Ala)

Gene: MYLK (myosin light chain kinase; minus strand). Cytogenetic location: 3q21.1.
Variant type: single nucleotide variant.
Coding change: c.1481G>C on transcript NM_053025.4 (MANE Select); coding-DNA position 1481, G replaced by C.
Protein change: p.Gly494Ala; replaces glycine 494 with alanine.
Molecular consequence: missense variant. On other transcripts: intron variant (2).
Genome position (GRCh38, 1-based): chr3:123,732,931, C>G on the plus strand (G>C on the coding strand, the complement: MYLK is on the minus strand). VCF-style: chr3-123732931-C-G. GRCh37 (hg19) VCF-style: chr3-123451778-C-G.
Other names: c.953G>C, p.Gly318Ala (NM_001321309.2); c.1481G>C, p.Gly494Ala (NM_053027.4); c.1309+756G>C (NM_053028.4, NM_053026.4); short protein forms G318A, G494A.
Identifiers: ClinVar variation 652436 (VCV000652436.17), dbSNP rs1052992526, ClinGen allele CA82942548.
Genomic context (GRCh38, chr3:123,732,931, plus strand): 5'-GGGTGACCTGGAGAAGTGTACTCACTTTCCACTTGGAGGGTCCAGCTACAGGACAGCTGG[C>G]CTTGGGCGTTGGAAGCAGTGCAGCTGTATGTCCCACTGTCCCTGGTCCGGGCTTTCAGCA-3'
Protein context (NP_444253.3, residues 484-504): TYSCTASNAQ[Gly494Ala]QLSCSWTLQV

ClinVar aggregate classification (germline): Uncertain significance. Review status: criteria provided, multiple submitters, no conflicts (2 of 4 stars). 3 submissions from 3 submitters: Uncertain significance (3). Last evaluated 2025-12-15.

Conditions:
Familial thoracic aortic aneurysm and aortic dissection (TAAD). Also called: Thoracic aortic aneurysms and dissections. Identifiers: Orphanet 91387, MedGen C4707243, MONDO:0019625.
Aortic aneurysm, familial thoracic 7 (AAT7). Also called: AORTIC DISSECTION, FAMILIAL, WITH OR WITHOUT AORTIC ANEURYSM. Identifiers: MedGen C3151077, MONDO:0013418, OMIM 613780.

Allele frequency attached by ClinVar (database versions not stated): gnomAD exomes below 0.00001.
gnomAD v4.1: 1 of 1,614,176 alleles (0.000062%); highest among the groups gnomAD compares: Non-Finnish European, 0.000085%; no homozygotes.

Submissions (3):

Labcorp Genetics (formerly Invitae), Labcorp
Classification: Uncertain significance for Aortic aneurysm, familial thoracic 7. Last evaluated: 2025-12-15. Review status: criteria provided, single submitter. Criteria: Invitae Variant Classification Sherloc (09022015). Collection method: clinical testing. Allele origin: germline.
Comment: This sequence change replaces glycine, which is neutral and non-polar, with alanine, which is neutral and non-polar, at codon 494 of the MYLK protein (p.Gly494Ala). This variant is not present in population databases (gnomAD no frequency). This variant has not been reported in the literature in individuals affected with MYLK-related conditions. ClinVar contains an entry for this variant (Variation ID: 652436). Invitae Evidence Modeling of protein sequence and biophysical properties (such as structural, functional, and spatial information, amino acid conservation, physicochemical variation, residue mobility, and thermodynamic stability) indicates that this missense variant is not expected to disrupt MYLK protein function with a negative predictive value of 95%. In summary, the available evidence is currently insufficient to determine the role of this variant in disease. Therefore, it has been classified as a Variant of Uncertain Significance.

ARUP Laboratories, Molecular Genetics and Genomics, ARUP Laboratories
Classification: Uncertain significance. Last evaluated: 2020-10-21. Review status: criteria provided, single submitter. Criteria: ARUP Molecular Germline Variant Investigation Process 2021. Collection method: clinical testing. Allele origin: germline.
Comment: The MYLK c.1481G>C; p.Gly494Ala variant (rs1052992526), to our knowledge, has not been reported in the medical literature; however, this variant is listed in the ClinVar database (Variation ID: 652436). This variant is absent from general population databases (1000 Genomes Project, Exome Variant Server, and Genome Aggregation Database), indicating it is not a common polymorphism. The glycine at codon 494 is moderately conserved, and computational analyses are uncertain whether this variant is neutral or deleterious (REVEL: 0.647). Based on the available information, the clinical significance of this variant is uncertain.

Ambry Genetics
Classification: Uncertain significance for Familial thoracic aortic aneurysm and aortic dissection. Last evaluated: 2019-08-15. Review status: criteria provided, single submitter. Criteria: Ambry Variant Classification Scheme 2023. Collection method: clinical testing. Allele origin: germline.
Comment: The p.G494A variant (also known as c.1481G>C), located in coding exon 8 of the MYLK gene, results from a G to C substitution at nucleotide position 1481. The glycine at codon 494 is replaced by alanine, an amino acid with similar properties. This amino acid position is highly conserved in available vertebrate species. In addition, the in silico prediction for this alteration is inconclusive. Since supporting evidence is limited at this time, the clinical significance of this alteration remains unclear.